The following is an entry in ClinVar:

ClinVar aggregate classification (germline): Uncertain significance (1 of 4 stars; one submission).

Allele frequency attached by ClinVar (database versions not stated): gnomAD exomes below 0.00001; gnomAD 0.00001; TOPMed 0.00002.
gnomAD v4.1: 5 of 1,613,234 alleles (0.00031%); highest among the groups gnomAD compares: African/African-American, 0.004%; no homozygotes.

Submission:

Labcorp Genetics (formerly Invitae), Labcorp
Classification: Uncertain significance. Last evaluated: 2024-04-03. Review status: criteria provided, single submitter. Criteria: Invitae Variant Classification Sherloc (09022015). Collection method: clinical testing. Allele origin: germline.
Comment: This sequence change replaces lysine, which is basic and polar, with glutamic acid, which is acidic and polar, at codon 1063 of the NBAS protein (p.Lys1063Glu). This variant is not present in population databases (gnomAD no frequency). This variant has not been reported in the literature in individuals affected with NBAS-related conditions. ClinVar contains an entry for this variant (Variation ID: 1929627). Advanced modeling of protein sequence and biophysical properties (such as structural, functional, and spatial information, amino acid conservation, physicochemical variation, residue mobility, and thermodynamic stability) performed at Invitae indicates that this missense variant is not expected to disrupt NBAS protein function with a negative predictive value of 95%. In summary, the available evidence is currently insufficient to determine the role of this variant in disease. Therefore, it has been classified as a Variant of Uncertain Significance.

NM_015909.4(NBAS):c.3187A>G (p.Lys1063Glu)

Gene: NBAS (NBAS subunit of NRZ tethering complex; minus strand). Cytogenetic location: 2p24.3.
Variant type: single nucleotide variant.
Coding change: c.3187A>G on transcript NM_015909.4 (MANE Select); coding-DNA position 3187, A replaced by G.
Protein change: p.Lys1063Glu; replaces lysine 1063 with glutamic acid.
Molecular consequence: missense variant. On other transcripts: non-coding transcript variant (1).
Genome position (GRCh38, 1-based): chr2:15,394,297, T>C on the plus strand (A>G on the coding strand, the complement: NBAS is on the minus strand). VCF-style: chr2-15394297-T-C. GRCh37 (hg19) VCF-style: chr2-15534421-T-C.
Other names: short protein forms K1063E.
Identifiers: ClinVar variation 1929627 (VCV001929627.5), dbSNP rs985194198, ClinGen allele CA42616717.